The following is an entry in ClinVar:

NM_001195263.2(PDZD7):c.3062C>T (p.Thr1021Ile)

Gene: PDZD7 (PDZ domain containing 7; minus strand). Cytogenetic location: 10q24.31.
Variant type: single nucleotide variant.
Coding change: c.3062C>T on transcript NM_001195263.2 (MANE Select); coding-DNA position 3062, C replaced by T.
Protein change: p.Thr1021Ile; replaces threonine 1021 with isoleucine.
Molecular consequence: missense variant.
Genome position (GRCh38, 1-based): chr10:101,008,507, G>A on the plus strand (C>T on the coding strand, the complement: PDZD7 is on the minus strand). VCF-style: chr10-101008507-G-A. GRCh37 (hg19) VCF-style: chr10-102768264-G-A.
Other names: short protein forms T1021I.
Identifiers: ClinVar variation 1712748 (VCV001712748.2), dbSNP rs1198135826, ClinGen allele CA378222772.

ClinVar aggregate classification (germline): Uncertain significance (1 of 4 stars; one submission).

Allele frequency attached by ClinVar (database versions not stated): gnomAD exomes below 0.00001.
gnomAD v4.1: 1 of 1,532,392 alleles (0.000065%); highest among the groups gnomAD compares: Non-Finnish European, 0.000087%; no homozygotes.

Submission:

GeneDx
Classification: Uncertain significance. Last evaluated: 2022-04-26. Review status: criteria provided, single submitter. Criteria: GeneDx Variant Classification Process June 2021. Collection method: clinical testing. Allele origin: germline. Affected: yes.
Comment: Not observed at significant frequency in large population cohorts (gnomAD); In silico analysis supports that this missense variant does not alter protein structure/function; Has not been previously published as pathogenic or benign to our knowledge